The following is an entry in ClinVar:

NM_032776.3(JMJD1C):c.5869C>G (p.Gln1957Glu)

Gene: JMJD1C (jumonji domain containing 1C; minus strand). Cytogenetic location: 10q21.3.
Variant type: single nucleotide variant.
Coding change: c.5869C>G on transcript NM_032776.3 (MANE Select); coding-DNA position 5869, C replaced by G.
Protein change: p.Gln1957Glu; replaces glutamine 1957 with glutamic acid.
Molecular consequence: missense variant.
Genome position (GRCh38, 1-based): chr10:63,193,145, G>C on the plus strand (C>G on the coding strand, the complement: JMJD1C is on the minus strand). VCF-style: chr10-63193145-G-C. GRCh37 (hg19) VCF-style: chr10-64952905-G-C.
Other names: c.5323C>G, p.Gln1775Glu (NM_001282948.2, NM_001318154.2); c.5005C>G, p.Gln1669Glu (NM_001318153.2); c.5755C>G, p.Gln1919Glu (NM_001322252.2); c.5212C>G, p.Gln1738Glu (NM_001322254.2, NM_001322258.2); short protein forms Q1919E, Q1669E, Q1775E, Q1957E, Q1738E.
Identifiers: ClinVar variation 849659 (VCV000849659.10), dbSNP rs773912495, ClinGen allele CA5518002.
Genomic context (GRCh38, chr10:63,193,145, plus strand): 5'-TTTGCTGCTGAGACTCAGGCATGCACAGAGAAATTTTATTACTGTGATTAAGAACATTCT[G>C]TAAAACCTACAAAGGTAGAACAATTACATTTTTAAACACTTTCTTCAATAATTCAATTAG-3'
Protein context (NP_116165.1, residues 1947-1967): PTMNGVSQVL[Gln1957Glu]NVLNHSNKIS

ClinVar aggregate classification (germline): Uncertain significance (1 of 4 stars; one submission).

Conditions:
Early Myoclonic Encephalopathy. Identifiers: MedGen C0270855.

Allele frequency attached by ClinVar (database versions not stated): ExAC 0.00001; TOPMed 0.00002; gnomAD exomes below 0.00001; gnomAD 0.00001.
gnomAD v4.1: 1 of 1,610,170 alleles (0.000062%); highest among the groups gnomAD compares: Admixed American, 0.0017%; no homozygotes.

Submission:

Labcorp Genetics (formerly Invitae), Labcorp
Classification: Uncertain significance for Early Myoclonic Encephalopathy. Last evaluated: 2019-12-24. Review status: criteria provided, single submitter. Criteria: Invitae Variant Classification Sherloc (09022015). Collection method: clinical testing. Allele origin: germline.
Comment: Algorithms developed to predict the effect of missense changes on protein structure and function (SIFT, PolyPhen-2, Align-GVGD) all suggest that this variant is likely to be disruptive, but these predictions have not been confirmed by published functional studies and their clinical significance is uncertain. This sequence change replaces glutamine with glutamic acid at codon 1957 of the JMJD1C protein (p.Gln1957Glu). The glutamine residue is highly conserved and there is a small physicochemical difference between glutamine and glutamic acid. This variant is present in population databases (rs773912495, ExAC 0.01%). This variant has not been reported in the literature in individuals with JMJD1C-related conditions. Algorithms developed to predict the effect of sequence changes on RNA splicing suggest that this variant may create or strengthen a splice site, but this prediction has not been confirmed by published transcriptional studies. In summary, the available evidence is currently insufficient to determine the role of this variant in disease. Therefore, it has been classified as a Variant of Uncertain Significance.